The following is an entry in ClinVar:

NM_001378964.1(CDON):c.2149C>T (p.His717Tyr)

Gene: CDON (cell adhesion associated, oncogene regulated; minus strand). Cytogenetic location: 11q24.2.
Variant type: single nucleotide variant.
Coding change: c.2149C>T on transcript NM_001378964.1 (MANE Select); coding-DNA position 2149, C replaced by T.
Protein change: p.His717Tyr; replaces histidine 717 with tyrosine.
Molecular consequence: missense variant.
Genome position (GRCh38, 1-based): chr11:126,001,728, G>A on the plus strand (C>T on the coding strand, the complement: CDON is on the minus strand). VCF-style: chr11-126001728-G-A. GRCh37 (hg19) VCF-style: chr11-125871623-G-A.
Other names: c.2149C>T, p.His717Tyr (NM_001243597.3, NM_016952.6); short protein forms H717Y.
Identifiers: ClinVar variation 1010578 (VCV001010578.9), dbSNP rs771993207, ClinGen allele CA6351828.

ClinVar aggregate classification (germline): Uncertain significance (1 of 4 stars; one submission).

Conditions:
Holoprosencephaly 11 (HPE11). Identifiers: Orphanet 2162, MedGen C3280215, MONDO:0013642, OMIM 614226.

Allele frequency attached by ClinVar (database versions not stated): ExAC 0.00004; TOPMed 0.00004; gnomAD 0.00005; gnomAD exomes 0.00005.

Submissions (2):

Labcorp Genetics (formerly Invitae), Labcorp
Classification: Uncertain significance for Holoprosencephaly 11. Last evaluated: 2026-01-13. Review status: criteria provided, single submitter. Criteria: Invitae Variant Classification Sherloc (09022015). Collection method: clinical testing. Allele origin: germline.
Comment: This sequence change replaces histidine, which is basic and polar, with tyrosine, which is neutral and polar, at codon 717 of the CDON protein (p.His717Tyr). This variant is present in population databases (rs771993207, gnomAD 0.01%). This variant has not been reported in the literature in individuals affected with CDON-related conditions. ClinVar contains an entry for this variant (Variation ID: 1010578). Invitae Evidence Modeling of protein sequence and biophysical properties (such as structural, functional, and spatial information, amino acid conservation, physicochemical variation, residue mobility, and thermodynamic stability) indicates that this missense variant is not expected to disrupt CDON protein function with a negative predictive value of 80%. Algorithms developed to predict the effect of sequence changes on RNA splicing suggest that this variant may create or strengthen a splice site. In summary, the available evidence is currently insufficient to determine the role of this variant in disease. Therefore, it has been classified as a Variant of Uncertain Significance.

Dr. Peter K. Rogan Lab, Western University
No classification provided (evidence only). Condition: Ovarian serous cystadenocarcinoma. Review status: no classification provided. Collection method: in vitro. Allele origin: not applicable. Functional consequence: retained intron. Not counted in ClinVar's aggregate classification.